The following is an entry in ClinVar:

ClinVar aggregate classification (germline): Uncertain significance. Review status: criteria provided, multiple submitters, no conflicts (2 of 4 stars). 2 submissions from 2 submitters: Uncertain significance (2). Last evaluated 2026-08-11.

Conditions:
Hereditary cancer-predisposing syndrome. Also called: Neoplastic Syndromes, Hereditary; Tumor predisposition; Hereditary neoplastic syndrome; Hereditary Cancer Syndrome. Identifiers: Orphanet 140162, MedGen C0027672, MeSH D009386, MONDO:0015356.

Submissions (2):

Ambry Genetics
Classification: Uncertain significance for Hereditary cancer-predisposing syndrome. Last evaluated: 2026-08-11. Review status: criteria provided, single submitter. Criteria: Ambry Variant Classification Scheme 2023. Collection method: clinical testing. Allele origin: germline.
Comment: The p.T362P variant (also known as c.1084A>C), located in coding exon 8 of the PTCH1 gene, results from an A to C substitution at nucleotide position 1084. The threonine at codon 362 is replaced by proline, an amino acid with highly similar properties. This amino acid position is conserved. In addition, this alteration is predicted to be deleterious by in silico analysis. Based on the available evidence, the clinical significance of this variant remains unclear.

CeGaT Center for Human Genetics Tuebingen
Classification: Uncertain significance. Last evaluated: 2025-09-01. Review status: criteria provided, single submitter. Criteria: CeGaT Center For Human Genetics Tuebingen Variant Classification Criteria Version 2. Collection method: clinical testing. Allele origin: germline. Affected: yes. Observed: 1 variant allele.
Comment: PTCH1: PM2

NM_000264.5(PTCH1):c.1084A>C (p.Thr362Pro)

Gene: PTCH1 (patched 1; minus strand). Cytogenetic location: 9q22.32.
Variant type: single nucleotide variant.
Coding change: c.1084A>C on transcript NM_000264.5 (MANE Select); coding-DNA position 1084, A replaced by C.
Protein change: p.Thr362Pro; replaces threonine 362 with proline.
Molecular consequence: missense variant. On other transcripts: non-coding transcript variant (1).
Genome position (GRCh38, 1-based): chr9:95,479,131, T>G on the plus strand (A>C on the coding strand, the complement: PTCH1 is on the minus strand). VCF-style: chr9-95479131-T-G. GRCh37 (hg19) VCF-style: chr9-98241413-T-G.
Other names: c.886A>C, p.Thr296Pro (NM_001083602.3); c.1081A>C, p.Thr361Pro (NM_001083603.3); c.631A>C, p.Thr211Pro (NM_001083604.3, NM_001083605.3, NM_001083606.3 and 1 more transcripts); c.1084A>C, p.Thr362Pro (NM_001354918.2); short protein forms T211P, T296P, T361P, T362P.
Identifiers: ClinVar variation 4281033 (VCV004281033.8).